The following is an entry in ClinVar:

NM_004958.4(MTOR):c.301G>A (p.Ala101Thr)

Gene: MTOR (mechanistic target of rapamycin kinase; minus strand). Cytogenetic location: 1p36.22.
Variant type: single nucleotide variant.
Coding change: c.301G>A on transcript NM_004958.4 (MANE Select); coding-DNA position 301, G replaced by A.
Protein change: p.Ala101Thr; replaces alanine 101 with threonine.
Molecular consequence: missense variant.
Genome position (GRCh38, 1-based): chr1:11,257,136, C>T on the plus strand (G>A on the coding strand, the complement: MTOR is on the minus strand). VCF-style: chr1-11257136-C-T. GRCh37 (hg19) VCF-style: chr1-11317193-C-T.
Other names: short protein forms A101T.
Identifiers: ClinVar variation 961712 (VCV000961712.10), dbSNP rs774147239, ClinGen allele CA590963.

ClinVar aggregate classification (germline): Uncertain significance (1 of 4 stars; one submission).

Allele frequency attached by ClinVar (database versions not stated): gnomAD exomes below 0.00001; ExAC 0.00001.
gnomAD v4.1: 1 of 1,613,610 alleles (0.000062%); highest among the groups gnomAD compares: African/African-American, 0.0013%; no homozygotes.

Submission:

Labcorp Genetics (formerly Invitae), Labcorp
Classification: Uncertain significance. Last evaluated: 2022-08-23. Review status: criteria provided, single submitter. Criteria: Invitae Variant Classification Sherloc (09022015). Collection method: clinical testing. Allele origin: germline.
Comment: This variant is present in population databases (rs774147239, gnomAD 0.007%). In summary, the available evidence is currently insufficient to determine the role of this variant in disease. Therefore, it has been classified as a Variant of Uncertain Significance. Advanced modeling of protein sequence and biophysical properties (such as structural, functional, and spatial information, amino acid conservation, physicochemical variation, residue mobility, and thermodynamic stability) performed at Invitae indicates that this missense variant is not expected to disrupt MTOR protein function. ClinVar contains an entry for this variant (Variation ID: 961712). This variant has not been reported in the literature in individuals affected with MTOR-related conditions. This sequence change replaces alanine, which is neutral and non-polar, with threonine, which is neutral and polar, at codon 101 of the MTOR protein (p.Ala101Thr).